The following is an entry in ClinVar:

ClinVar aggregate classification (germline): Pathogenic (1 of 4 stars; one submission).

Conditions:
Xeroderma pigmentosum, group F (XPF). Also called: XERODERMA PIGMENTOSUM, COMPLEMENTATION GROUP F; XERODERMA PIGMENTOSUM VI; XP, GROUP F; ERCC4-Related Xeroderma Pigmentosum; XERODERMA PIGMENTOSUM, TYPE F; Xeroderma pigmentosum, type 6. Identifiers: MedGen C0268140, MONDO:0010215, OMIM 278760.
Cockayne syndrome. Identifiers: Orphanet 191, MedGen C0009207, MONDO:0016006.
Fanconi anemia complementation group Q. Identifiers: Orphanet 84, MedGen C3808988, MONDO:0014108, OMIM 615272.

Submission:

Labcorp Genetics (formerly Invitae), Labcorp
Classification: Pathogenic for Fanconi anemia complementation group Q; Xeroderma pigmentosum, group F; Cockayne syndrome. Last evaluated: 2023-03-19. Review status: criteria provided, single submitter. Criteria: Invitae Variant Classification Sherloc (09022015). Collection method: clinical testing. Allele origin: germline.
Comment: For these reasons, this variant has been classified as Pathogenic. This variant disrupts a region of the ERCC4 protein in which other variant(s) (p.Arg799Trp) have been determined to be pathogenic (PMID: 8797827, 9579555, 20221251, 23623389, 26074087, 27356891, 27528516, 28431612, 28678401, 28767289, 29105242, 29403087, 29892709). This suggests that this is a clinically significant region of the protein, and that variants that disrupt it are likely to be disease-causing. This variant has not been reported in the literature in individuals affected with ERCC4-related conditions. This variant is a gross deletion of the genomic region encompassing exon(s) 10 of the ERCC4 gene. While this deletion is not anticipated to lead to nonsense mediated decay, it is expected to disrupt the C-terminus of the protein.

Literature cited by the submitters: PubMed 8797827; PubMed 9579555; PubMed 20221251; PubMed 23623389; PubMed 26074087; PubMed 27356891; PubMed 27528516; PubMed 28431612; PubMed 28678401; PubMed 28767289; PubMed 29105242; PubMed 29403087; PubMed 29892709.

NC_000016.9:g.(?_14038570)_(14038702_?)del

Gene: ERCC4 (ERCC excision repair 4, endonuclease catalytic subunit; plus strand). Cytogenetic location: 16p13.12.
Variant type: Deletion.
Identifiers: ClinVar variation 2425327 (VCV002425327.4).